The following is an entry in ClinVar:

ClinVar aggregate classification (germline): Pathogenic. Review status: criteria provided, multiple submitters, no conflicts (2 of 4 stars). 3 submissions from 3 submitters: Pathogenic (3). Last evaluated 2025-12-27.

Conditions:
RDH12-related disorder. Also called: RDH12-related disorders; RDH12-related condition.
Leber congenital amaurosis (LCA). Also called: Leber's amaurosis. Identifiers: Orphanet 65, MedGen C0339527, MeSH D057130, MONDO:0018998.
Leber congenital amaurosis 13 (LCA13). Identifiers: MedGen C2675186, MONDO:0012990, OMIM 612712.

Allele frequency attached by ClinVar (database versions not stated): gnomAD exomes 0.00002 and 0.00001; ExAC 0.00002.
gnomAD v4.1: 32 of 1,614,218 alleles (0.002%); highest among the groups gnomAD compares: Non-Finnish European, 0.0025%; no homozygotes.

Submissions (3):

Labcorp Genetics (formerly Invitae), Labcorp
Classification: Pathogenic for Leber congenital amaurosis 13. Last evaluated: 2025-12-27. Review status: criteria provided, single submitter. Criteria: Invitae Variant Classification Sherloc (09022015). Collection method: clinical testing. Allele origin: germline.
Comment: This sequence change creates a premature translational stop signal (p.Tyr194*) in the RDH12 gene. It is expected to result in an absent or disrupted protein product. Loss-of-function variants in RDH12 are known to be pathogenic (PMID: 17964524, 22065924, 32014858, 34001834). This variant is present in population databases (rs753074829, gnomAD 0.002%). This premature translational stop signal has been observed in individual(s) with autosomal recessive retinal dystrophy (PMID: 16269441, 23847139). ClinVar contains an entry for this variant (Variation ID: 934121). For these reasons, this variant has been classified as Pathogenic.

Natera, Inc.
Classification: Pathogenic for Leber congenital amaurosis. Last evaluated: 2025-09-21. Review status: criteria provided, single submitter. Criteria: Natera Variant Classification Schema (03/2026). Collection method: clinical testing. Allele origin: germline.
Comment: The c.582C>G variant in RDH12 is a nonsense variant predicted to introduce a stop codon at amino acid 194. This variant is expected to result in nonsense mediated decay, truncation, or a dysfunctional protein product. This variant is rare in the general population with a frequency below the threshold expected for the associated phenotype(s). This variant has been observed in one or more individuals affected with the associated recessive disease, as either homozygous or compound heterozygous with a second variant (PMID: 23847139). Given the available evidence, this variant is classified as Pathogenic.

Blueprint Genetics
Classification: Pathogenic for RDH12-related disorders. Last evaluated: 2023-03-29. Review status: criteria provided, single submitter. Criteria: ACMG Guidelines, 2015. Collection method: clinical testing. Allele origin: germline. Affected: yes. Observed: 5 variant alleles.

Literature cited by the submitters: PubMed 17964524 (cited by Labcorp Genetics (formerly Invitae), Labcorp); PubMed 22065924 (cited by Labcorp Genetics (formerly Invitae), Labcorp); PubMed 32014858 (cited by Labcorp Genetics (formerly Invitae), Labcorp); PubMed 34001834 (cited by Labcorp Genetics (formerly Invitae), Labcorp); PubMed 16269441 (cited by Labcorp Genetics (formerly Invitae), Labcorp); PubMed 23847139 (cited by Labcorp Genetics (formerly Invitae), Labcorp and Natera, Inc.).

NM_152443.3(RDH12):c.582C>G (p.Tyr194Ter)

Genes: RDH12 (retinol dehydrogenase 12; plus strand), GPHN (gephyrin; plus strand). Cytogenetic location: 14q24.1.
Variant type: single nucleotide variant.
Coding change: c.582C>G on transcript NM_152443.3 (MANE Select); coding-DNA position 582, C replaced by G.
Protein change: p.Tyr194Ter; replaces tyrosine 194 with a stop codon.
Molecular consequence: nonsense.
Genome position (GRCh38, 1-based): chr14:67,727,114, C>G. VCF-style: chr14-67727114-C-G. GRCh37 (hg19) VCF-style: chr14-68193831-C-G.
Other names: short protein forms Y194*.
Identifiers: ClinVar variation 934121 (VCV000934121.14), dbSNP rs753074829, ClinGen allele CA7238756.